The following is an entry in ClinVar:

ClinVar aggregate classification (germline): Pathogenic (1 of 4 stars; one submission).

Submission:

GeneDx
Classification: Pathogenic. Last evaluated: 2016-06-08. Review status: criteria provided, single submitter. Criteria: GeneDx Variant Classification (06012015). Collection method: clinical testing. Allele origin: germline. Affected: yes.
Comment: The c.1038delC pathogenic variant in the ZEB2 gene has not been reported previously as a pathogenic variant nor as a benign variant, to our knowledge. This variant causes a frameshift starting with codon Asparagine 346, changes this amino acid to a Lysine residue, and creates a premature Stop codon at position 24 of the new reading frame, denoted p.Asn346LysfsX24. This variant is predicted to cause loss of normal protein function either through protein truncation or nonsense-mediated mRNA decay. The c.1038delC variant was not observed in approximately 6500 individuals of European and African American ancestry in the NHLBI Exome Sequencing Project, indicating it is not a common benign variant in these populations. We interpret c.1038delC as a pathogenic variant.

NM_014795.4(ZEB2):c.1038del (p.Asn346fs)

Gene: ZEB2 (zinc finger E-box binding homeobox 2; minus strand). Cytogenetic location: 2q22.3.
Variant type: Deletion.
Coding change: c.1038del on transcript NM_014795.4 (MANE Select); coding-DNA position 1038, one base deleted (C; older notation c.1038delC).
Protein change: p.Asn346fs; shifts the reading frame from asparagine 346.
Molecular consequence: frameshift variant.
Genome position (GRCh38, 1-based): chr2:144,400,149, G deleted on the plus strand (C on the coding strand, the reverse complement: ZEB2 is on the minus strand). VCF-style (leftmost placement, unchanged base first): chr2-144400148-TG-T. GRCh37 (hg19) VCF-style: chr2-145157715-TG-T.
Other names: c.966del, p.Asn322fs (NM_001171653.2); short protein forms N322fs, N346fs.
Identifiers: ClinVar variation 265598 (VCV000265598.2), dbSNP rs886039655, ClinGen allele CA10588309.